The following is an entry in ClinVar:

ClinVar aggregate classification (germline): Uncertain significance (1 of 4 stars; one submission).

Conditions:
Hydrocephalus, congenital, 3, with brain anomalies. Also called: HYDROCEPHALUS, NONSYNDROMIC, AUTOSOMAL RECESSIVE 3. Identifiers: MedGen C4747885, MONDO:0054794, OMIM 617967.

Allele frequency attached by ClinVar (database versions not stated): TOPMed below 0.00001 and 0.00001; ExAC 0.00002; gnomAD exomes 0.00001; gnomAD 0.00003.

Submission:

Centre for Mendelian Genomics, University Medical Centre Ljubljana
Classification: Uncertain significance for Hydrocephalus, congenital, 3, with brain anomalies. Last evaluated: 2018-11-28. Review status: criteria provided, single submitter. Criteria: ACMG Guidelines, 2015. Collection method: clinical testing. Allele origin: unknown. Affected: yes.
Comment: This variant was classified as: Uncertain significance. The available evidence on this variant's pathogenicity is insufficient or conflicting. The following ACMG criteria were applied in classifying this variant: PM2,PP3.

NM_001163809.2(WDR81):c.4396C>T (p.Arg1466Trp)

Gene: WDR81 (WD repeat domain 81; plus strand). Cytogenetic location: 17p13.3.
Variant type: single nucleotide variant.
Coding change: c.4396C>T on transcript NM_001163809.2 (MANE Select); coding-DNA position 4396, C replaced by T.
Protein change: p.Arg1466Trp; replaces arginine 1466 with tryptophan.
Molecular consequence: missense variant.
Genome position (GRCh38, 1-based): chr17:1,732,738, C>T. VCF-style: chr17-1732738-C-T. GRCh37 (hg19) VCF-style: chr17-1636032-C-T.
Other names: c.787C>T, p.Arg263Trp (NM_001163673.2); c.715C>T, p.Arg239Trp (NM_001163811.2); c.1243C>T, p.Arg415Trp (NM_152348.4); short protein forms R1466W, R239W, R415W, R263W.
Identifiers: ClinVar variation 931323 (VCV000931323.3), dbSNP rs779319855, ClinGen allele CA8273545.